The following is an entry in ClinVar:

ClinVar aggregate classification (germline): Conflicting classifications of pathogenicity. Review status: criteria provided, conflicting classifications (1 of 4 stars). 2 submissions from 2 submitters: Uncertain significance (1); Likely benign (1). Last evaluated 2026-07-01.

Allele frequency attached by ClinVar (database versions not stated): gnomAD exomes 0.00011; gnomAD 0.00015; 1000 Genomes Project 30x 0.00016; ESP Exome Variant Server 0.00017; ExAC 0.00018; TOPMed 0.00025.
gnomAD v4.1: 184 of 1,612,182 alleles (0.011%); highest among the groups gnomAD compares: Admixed American, 0.034%; 2 homozygotes.

Submissions (2):

CeGaT Center for Human Genetics Tuebingen
Classification: Likely benign. Last evaluated: 2026-07-01. Review status: criteria provided, single submitter. Criteria: CeGaT Center For Human Genetics Tuebingen Variant Classification Criteria Version 2. Collection method: clinical testing. Allele origin: germline. Affected: yes. Observed: 2 variant alleles.
Comment: DOCK4: BS2

Ambry Genetics
Classification: Uncertain significance. Last evaluated: 2024-10-04. Review status: criteria provided, single submitter. Criteria: Ambry Variant Classification Scheme 2023. Collection method: clinical testing. Allele origin: germline.

NM_001363540.2(DOCK4):c.3176A>G (p.Lys1059Arg)

Gene: DOCK4 (dedicator of cytokinesis 4; minus strand). Cytogenetic location: 7q31.1.
Variant type: single nucleotide variant.
Coding change: c.3176A>G on transcript NM_001363540.2 (MANE Select); coding-DNA position 3176, A replaced by G.
Protein change: p.Lys1059Arg; replaces lysine 1059 with arginine.
Molecular consequence: missense variant.
Genome position (GRCh38, 1-based): chr7:111,790,596, T>C on the plus strand (A>G on the coding strand, the complement: DOCK4 is on the minus strand). VCF-style: chr7-111790596-T-C. GRCh37 (hg19) VCF-style: chr7-111430652-T-C.
Other names: c.3176A>G, p.Lys1059Arg (NM_014705.4); short protein forms K1059R.
Identifiers: ClinVar variation 2373392 (VCV002373392.5), dbSNP rs199775424, ClinGen allele CA4441950.